The following is an entry in ClinVar:

NM_001939.3(DRP2):c.2068G>A (p.Gly690Ser)

Gene: DRP2 (dystrophin related protein 2; plus strand). Cytogenetic location: Xq22.1.
Variant type: single nucleotide variant.
Coding change: c.2068G>A on transcript NM_001939.3 (MANE Select); coding-DNA position 2068, G replaced by A.
Protein change: p.Gly690Ser; replaces glycine 690 with serine.
Molecular consequence: missense variant.
Genome position (GRCh38, 1-based): chrX:101,254,515, G>A. VCF-style: chrX-101254515-G-A. GRCh37 (hg19) VCF-style: chrX-100509504-G-A.
Other names: c.1834G>A, p.Gly612Ser (NM_001171184.2); short protein forms G612S, G690S.
Identifiers: ClinVar variation 2476347 (VCV002476347.27), dbSNP rs1241743573, ClinGen allele CA413934880.

ClinVar aggregate classification (germline): Uncertain significance. Review status: criteria provided, multiple submitters, no conflicts (2 of 4 stars). 2 submissions from 2 submitters: Uncertain significance (2). Last evaluated 2023-08-01.

Submissions (2):

CeGaT Center for Human Genetics Tuebingen
Classification: Uncertain significance. Last evaluated: 2023-08-01. Review status: criteria provided, single submitter. Criteria: CeGaT Center For Human Genetics Tuebingen Variant Classification Criteria Version 2. Collection method: clinical testing. Allele origin: germline. Affected: yes. Observed: 1 variant allele.
Comment: DRP2: PM2, PP3, PP4

Ambry Genetics
Classification: Uncertain significance. Last evaluated: 2023-01-18. Review status: criteria provided, single submitter. Criteria: Ambry Variant Classification Scheme 2023. Collection method: clinical testing. Allele origin: germline.